The following is an entry in ClinVar:

ClinVar aggregate classification (germline): Uncertain significance (0 of 4 stars; one submission).

Conditions:
PLXNA2-related disorder. Also called: PLXNA2-related condition.

gnomAD v4.1: 5 of 1,612,712 alleles (0.00031%); highest among the groups gnomAD compares: African/African-American, 0.0053%; no homozygotes.

Submission:

PreventionGenetics, part of Exact Sciences
Classification: Uncertain significance for PLXNA2-related condition. Last evaluated: 2023-10-20. Review status: no assertion criteria provided. Collection method: clinical testing. Allele origin: germline.
Comment: The PLXNA2 c.3050C>G variant is predicted to result in the amino acid substitution p.Pro1017Arg. To our knowledge, this variant has not been reported in the literature. This variant is reported in 0.0062% of alleles in individuals of African descent in gnomAD. At this time, the clinical significance of this variant is uncertain due to the absence of conclusive functional and genetic evidence.

NM_025179.4(PLXNA2):c.3050C>G (p.Pro1017Arg)

Gene: PLXNA2 (plexin A2; minus strand). Cytogenetic location: 1q32.2.
Variant type: single nucleotide variant.
Coding change: c.3050C>G on transcript NM_025179.4 (MANE Select); coding-DNA position 3050, C replaced by G.
Protein change: p.Pro1017Arg; replaces proline 1017 with arginine.
Molecular consequence: missense variant.
Genome position (GRCh38, 1-based): chr1:208,051,367, G>C on the plus strand (C>G on the coding strand, the complement: PLXNA2 is on the minus strand). VCF-style: chr1-208051367-G-C. GRCh37 (hg19) VCF-style: chr1-208224712-G-C.
Other names: short protein forms P1017R.
Identifiers: ClinVar variation 3357927 (VCV003357927.1).
Genomic context (GRCh38, chr1:208,051,367, plus strand): 5'-TACTCAAACTGCAGGTTGCTATCCACATGGGCTCGGTCGACACTCACAGAAACAGGGACC[G>C]GGCCAAGGCCATTGGATGATGGGGGTGAGACACACACGATCTCACTCATTGACCTCCTGA-3'
Protein context (NP_079455.3, residues 1007-1027): VSPPSSNGLG[Pro1017Arg]VPVSVSVDRA